The following is an entry in ClinVar:

NM_006766.5(KAT6A):c.5353del (p.Ser1785fs)

Gene: KAT6A (lysine acetyltransferase 6A; minus strand). Cytogenetic location: 8p11.21.
Variant type: Deletion.
Coding change: c.5353del on transcript NM_006766.5 (MANE Select); coding-DNA position 5353, one base deleted (T; older notation c.5353delT).
Protein change: p.Ser1785fs; shifts the reading frame from serine 1785.
Molecular consequence: frameshift variant.
Genome position (GRCh38, 1-based): chr8:41,932,867, A deleted on the plus strand (T on the coding strand, the reverse complement: KAT6A is on the minus strand); the first of 3 consecutive A bases (chr8:41,932,867-41,932,869); deleting any one gives the same sequence. VCF-style (leftmost placement, unchanged base first): chr8-41932866-GA-G. GRCh37 (hg19) VCF-style: chr8-41790384-GA-G.
Other names: short protein forms S1785fs.
Identifiers: ClinVar variation 3112763 (VCV003112763.1), dbSNP rs2486752003, ClinGen allele CA2825001588.

ClinVar aggregate classification (germline): Pathogenic (1 of 4 stars; one submission).

Conditions:
Inborn genetic diseases. Identifiers: MedGen C0950123, MeSH D030342.

Submission:

Ambry Genetics
Classification: Pathogenic for Inborn genetic diseases. Last evaluated: 2024-01-10. Review status: criteria provided, single submitter. Criteria: Ambry Variant Classification Scheme 2023. Collection method: clinical testing. Allele origin: germline.
Comment: The c.5353delT (p.S1785Lfs*16) alteration, located in exon 17 (coding exon 16) of the KAT6A gene, consists of a deletion of one nucleotide at position 5353, causing a translational frameshift with a predicted alternate stop codon after 16 amino acids. This alteration occurs at the 3' terminus of the KAT6A gene, is not expected to trigger nonsense-mediated mRNA decay, and only impacts the last 10.9% of the protein. However, premature stop codons are typically deleterious in nature, the impacted region is critical for protein function, and a significant portion of the protein is affected (Ambry internal data). This variant was not reported in population-based cohorts in the Genome Aggregation Database (gnomAD). Based on the available evidence, this alteration is classified as pathogenic.